The following is an entry in ClinVar:

NM_000044.6(AR):c.1729T>C (p.Cys577Arg)

Gene: AR (androgen receptor; plus strand). Cytogenetic location: Xq12.
Variant type: single nucleotide variant.
Coding change: c.1729T>C on transcript NM_000044.6 (MANE Select); coding-DNA position 1729, T replaced by C.
Protein change: p.Cys577Arg; replaces cysteine 577 with arginine.
Molecular consequence: missense variant. On other transcripts: intron variant (1).
Genome position (GRCh38, 1-based): chrX:67,643,368, T>C. VCF-style: chrX-67643368-T-C. GRCh37 (hg19) VCF-style: chrX-66863210-T-C.
Other names: c.133T>C, p.Cys45Arg (NM_001011645.3); c.1729T>C, p.Cys577Arg (NM_001348061.1, NM_001348063.1); c.1617-42573T>C (NM_001348064.1); short protein forms C45R, C577R.
Identifiers: ClinVar variation 4783873 (VCV004783873.2).

ClinVar aggregate classification (germline): Pathogenic/Likely pathogenic. Review status: criteria provided, multiple submitters, no conflicts (2 of 4 stars). 2 submissions from 2 submitters: Pathogenic (1); Likely pathogenic (1). Last evaluated 2025-09-10.

Conditions:
AR-related disorders.
Androgen resistance syndrome (AIS). Also called: ANDROGEN RECEPTOR DEFICIENCY; DHTR DEFICIENCY; DIHYDROTESTOSTERONE RECEPTOR DEFICIENCY; TESTICULAR FEMINIZATION SYNDROME; Androgen insensitivity syndrome; Androgen insensitivity, complete. Identifiers: Orphanet 754, Orphanet 99429, MedGen C0039585, MONDO:0019154, OMIM 300068. Disease mechanism: loss of function.
Kennedy disease (SMAX1). Also called: SPINAL AND BULBAR MUSCULAR ATROPHY, X-LINKED 1; KENNEDY SPINAL AND BULBAR MUSCULAR ATROPHY; Spinal and Bulbar Muscular Atrophy. Identifiers: Orphanet 481, MedGen C1839259, MONDO:0010735, OMIM 313200.

Submissions (2):

Labcorp Genetics (formerly Invitae), Labcorp
Classification: Pathogenic for Kennedy disease; Androgen resistance syndrome. Last evaluated: 2025-09-10. Review status: criteria provided, single submitter. Criteria: Invitae Variant Classification Sherloc (09022015). Collection method: clinical testing. Allele origin: germline.
Comment: This sequence change replaces cysteine, which is neutral and slightly polar, with arginine, which is basic and polar, at codon 577 of the AR protein (p.Cys577Arg). This variant is not present in population databases (gnomAD no frequency). This missense change has been observed in individual(s) with clinical features of complete androgen insensitivity syndrome (PMID: 1316540). This variant is also known as 1883T>C (C574R). Invitae Evidence Modeling of protein sequence and biophysical properties (such as structural, functional, and spatial information, amino acid conservation, physicochemical variation, residue mobility, and thermodynamic stability) indicates that this missense variant is expected to disrupt AR protein function with a positive predictive value of 95%. Experimental studies have shown that this missense change affects AR function (PMID: 1316540). This variant disrupts the p.Cys577 amino acid residue in AR. Other variant(s) that disrupt this residue have been observed in individuals with AR-related conditions (PMID: 10425033, 27583472), which suggests that this may be a clinically significant amino acid residue. For these reasons, this variant has been classified as Pathogenic.

Blueprint Genetics
Classification: Likely pathogenic for AR-related disorders. Last evaluated: 2019-02-25. Review status: criteria provided, single submitter. Criteria: ACMG Guidelines, 2015. Collection method: clinical testing. Allele origin: germline. Affected: yes. Observed: 1 variant allele.

Literature cited by the submitters: PubMed 1316540 (cited by Labcorp Genetics (formerly Invitae), Labcorp); PubMed 10425033 (cited by Labcorp Genetics (formerly Invitae), Labcorp); PubMed 27583472 (cited by Labcorp Genetics (formerly Invitae), Labcorp).